The following is an entry in ClinVar:

NM_001710.6(CFB):c.888_891del (p.Ile297fs)

Gene: CFB (complement factor B; plus strand). Cytogenetic location: 6p21.33.
Variant type: Deletion.
Coding change: c.888_891del on transcript NM_001710.6 (MANE Select); coding-DNA positions 888 to 891, 4 bases deleted (AATT; older notation c.888_891delAATT).
Protein change: p.Ile297fs; shifts the reading frame from isoleucine 297.
Molecular consequence: frameshift variant.
Genome position (GRCh38, 1-based): chr6:31,948,072-31,948,075, AATT deleted; deleting any 4 consecutive bases within chr6:31,948,070-31,948,075 gives the same sequence; the c. name uses the placement nearest the transcript's 3' end. VCF-style (leftmost placement, unchanged base first): chr6-31948069-CTTAA-C. GRCh37 (hg19) VCF-style: chr6-31915846-CTTAA-C.
Other names: p.Ile297Argfs*8; short protein forms I297fs.
Identifiers: ClinVar variation 3381003 (VCV003381003.1).

ClinVar aggregate classification (germline): Likely pathogenic (1 of 4 stars; one submission).

Submission:

Mayo Clinic Laboratories, Mayo Clinic
Classification: Likely pathogenic. Last evaluated: 2023-12-13. Review status: criteria provided, single submitter. Criteria: ACMG Guidelines, 2015. Collection method: clinical testing. Allele origin: germline. Observed: 1 variant allele.
Comment: PM2, PVS1